The following is an entry in ClinVar:

NM_020975.6(RET):c.44TGC[3] (p.Leu18_Leu19del)

Gene: RET (ret proto-oncogene; plus strand). Cytogenetic location: 10q11.21.
Variant type: Microsatellite.
Coding change: c.44TGC[3] on transcript NM_020975.6 (MANE Select); three copies in a row of the 3-base unit TGC starting at c.44; the reference has five copies in a row; two copies, 6 bases deleted; also written c.53_58del.
Protein change: p.Leu18_Leu19del.
Molecular consequence: inframe deletion. On other transcripts: inframe indel (43).
Genome position (GRCh38, 1-based): chr10:43,077,311-43,077,316, TGCTGC deleted; deleting any 6 consecutive bases within chr10:43,077,302-43,077,316 gives the same sequence; the position shown is the placement nearest the transcript's 3' end. VCF-style (leftmost placement, unchanged base first): chr10-43077301-TTGCTGC-T. GRCh37 (hg19) VCF-style: chr10-43572749-TTGCTGC-T.
Other names: c.44_46TGC[3], p.Leu18_Leu19del (NM_000323.2, NM_001406743.1, NM_001406744.1 and 39 more transcripts); c.53_58del (NM_020975.4).
Identifiers: ClinVar variation 835920 (VCV000835920.15), dbSNP rs768132465, ClinGen allele CA916081576.
Genomic context (GRCh38, chr10:43,077,301, plus strand): 5'-CCCCAGCGCGCACGGGCGATGGCGAAGGCGACGTCCGGTGCCGCGGGGCTGCGTCTGCTG[TTGCTGC>T]TGCTGCTGCCGCTGCTAGGCAAAGGTGAGTTCTGCCGGCCGCCGGCTCCCGCAGGGGCCA-3'

ClinVar aggregate classification (germline): Conflicting classifications of pathogenicity. Review status: criteria provided, conflicting classifications (1 of 4 stars). 3 submissions from 3 submitters: Uncertain significance (2); Likely benign (1). Last evaluated 2025-10-01.

Conditions:
Hereditary cancer-predisposing syndrome. Also called: Hereditary neoplastic syndrome; Neoplastic Syndromes, Hereditary; Tumor predisposition; Hereditary Cancer Syndrome. Identifiers: Orphanet 140162, MedGen C0027672, MeSH D009386, MONDO:0015356.
Multiple endocrine neoplasia, type 2 (MEN2). Identifiers: Orphanet 653, MedGen C4048306, MONDO:0019003. Disease mechanism: gain of function.

Submissions (3):

Labcorp Genetics (formerly Invitae), Labcorp
Classification: Uncertain significance for Multiple endocrine neoplasia, type 2. Last evaluated: 2025-10-01. Review status: criteria provided, single submitter. Criteria: Invitae Variant Classification Sherloc (09022015). Collection method: clinical testing. Allele origin: germline.
Comment: This variant, c.53_58del, results in the deletion of 2 amino acid(s) of the RET protein (p.Leu18_Leu19del), but otherwise preserves the integrity of the reading frame. This variant is not present in population databases (gnomAD no frequency). This variant has not been reported in the literature in individuals affected with RET-related conditions. ClinVar contains an entry for this variant (Variation ID: 835920). Experimental studies and prediction algorithms are not available or were not evaluated, and the functional significance of this variant is currently unknown. In summary, the available evidence is currently insufficient to determine the role of this variant in disease. Therefore, it has been classified as a Variant of Uncertain Significance.

All of Us Research Program, National Institutes of Health
Classification: Uncertain significance for Multiple endocrine neoplasia, type 2. Last evaluated: 2023-06-28. Review status: criteria provided, single submitter. Criteria: ACMG Guidelines, 2015. Collection method: clinical testing. Allele origin: germline. Inheritance: Autosomal dominant inheritance. Observed: 1 variant allele, 1 heterozygote.
Comment: This study involves interpretation of variants in research participants for the purpose of population health screening. Participant phenotype was not available at the time of variant classification. Additional details can be found in publication PMID: 35346344, PMCID: PMC8962531

Ambry Genetics
Classification: Likely benign for Hereditary cancer-predisposing syndrome. Last evaluated: 2021-10-18. Review status: criteria provided, single submitter. Criteria: Ambry Variant Classification Scheme 2023. Collection method: clinical testing. Allele origin: germline.